The following is an entry in ClinVar:

NC_000013.10:g.(?_111293763)_(111329451_111335397)dup

Gene: CARS2 (cysteinyl-tRNA synthetase 2, mitochondrial; minus strand). Cytogenetic location: 13q34.
Variant type: Duplication.
Identifiers: ClinVar variation 4535638 (VCV004535638.1).

ClinVar aggregate classification (germline): Uncertain significance (1 of 4 stars; one submission).

Submission:

Women's Health and Genetics/Laboratory Corporation of America, LabCorp
Classification: Uncertain significance. Last evaluated: 2025-09-09. Review status: criteria provided, single submitter. Criteria: LabCorp Variant Classification Summary - May 2015. Collection method: clinical testing. Allele origin: germline.
Comment: Variant summary: The variant involves the duplication of exons 7-15 in the CARS2 gene. A presumed nomenclature of c.(655+1_656-1)_(*121_?)dup has been designated for the purposes of this classification. The exact breakpoint at the 3' end of this variant is unknown, therefore this duplication may extend downstream of the annotated region of the gene. As it duplicates the termination codon, its effect on the encoded protein is unknown. The variant was absent in 21694 control chromosomes. The available data on variant occurrences in the general population are insufficient to allow any conclusion about variant significance. To our knowledge, no occurrence of c.(655+1_656-1)_(*121_?)dup in individuals affected with CARS2-related conditions and no experimental evidence demonstrating its impact on protein function have been reported. ClinVar contains entries for this variant both alone and in the context of a larger duplication event (Variation ID: 833072, 1376406). Based on the evidence outlined above, the variant was classified as uncertain significance.